The following is an entry in ClinVar:

NM_001127222.2(CACNA1A):c.3638G>A (p.Gly1213Asp)

Gene: CACNA1A (calcium voltage-gated channel subunit alpha1 A; minus strand). Cytogenetic location: 19p13.13.
Variant type: single nucleotide variant.
Coding change: c.3638G>A on transcript NM_001127222.2 (MANE Select); coding-DNA position 3638, G replaced by A.
Protein change: p.Gly1213Asp; replaces glycine 1213 with aspartic acid.
Molecular consequence: missense variant.
Genome position (GRCh38, 1-based): chr19:13,285,122, C>T on the plus strand (G>A on the coding strand, the complement: CACNA1A is on the minus strand). VCF-style: chr19-13285122-C-T. GRCh37 (hg19) VCF-style: chr19-13395936-C-T.
Other names: c.3650G>A, p.Gly1217Asp (NM_000068.4, NM_023035.3); c.3641G>A, p.Gly1214Asp (NM_001127221.2, NM_001174080.2); short protein forms G1213D, G1214D, G1217D.
Identifiers: ClinVar variation 2662674 (VCV002662674.3), dbSNP rs540667475, ClinGen allele CA9240246.

ClinVar aggregate classification (germline): Conflicting classifications of pathogenicity. Review status: criteria provided, conflicting classifications (1 of 4 stars). 2 submissions from 2 submitters: Uncertain significance (1); Likely benign (1). Last evaluated 2024-12-10.

Conditions:
Episodic ataxia type 2 (EA2). Also called: ACETAZOLAMIDE-RESPONSIVE HEREDITARY PAROXYSMAL CEREBELLAR ATAXIA; ATAXIA, EPISODIC, WITH NYSTAGMUS; ATAXIA, FAMILIAL PAROXYSMAL; CEREBELLAR ATAXIA, PAROXYSMAL, ACETAZOLAMIDE-RESPONSIVE; CEREBELLOPATHY, HEREDITARY PAROXYSMAL; EPISODIC ATAXIA, NYSTAGMUS-ASSOCIATED. Identifiers: Orphanet 97, MedGen C1720416, MONDO:0007163, OMIM 108500.
Developmental and epileptic encephalopathy, 42 (DEE42A). Also called: Epileptic encephalopathy, early infantile, 42; EPILEPTIC ENCEPHALOPATHY, EARLY INFANTILE, 42A; DEVELOPMENTAL AND EPILEPTIC ENCEPHALOPATHY 42A. Identifiers: MedGen C4310716, MONDO:0014917, OMIM 617106.

Allele frequency attached by ClinVar (database versions not stated): gnomAD 0.00001; gnomAD exomes 0.00001; ExAC 0.00002; 1000 Genomes Project 30x 0.00031; 1000 Genomes Project 0.00040.
gnomAD v4.1: 17 of 1,613,926 alleles (0.0011%); highest among the groups gnomAD compares: African/African-American, 0.004%; no homozygotes.

Submissions (2):

Labcorp Genetics (formerly Invitae), Labcorp
Classification: Likely benign for Developmental and epileptic encephalopathy, 42; Episodic ataxia type 2. Last evaluated: 2024-12-10. Review status: criteria provided, single submitter. Criteria: Invitae Variant Classification Sherloc (09022015). Collection method: clinical testing. Allele origin: germline.

GeneDx
Classification: Uncertain significance. Last evaluated: 2023-10-04. Review status: criteria provided, single submitter. Criteria: GeneDx Variant Classification Process June 2021. Collection method: clinical testing. Allele origin: germline. Affected: yes.
Comment: In silico analysis supports that this missense variant has a deleterious effect on protein structure/function; Has not been previously published as pathogenic or benign to our knowledge